The following is an entry in ClinVar:

NM_002691.4(POLD1):c.2803G>A (p.Ala935Thr)

Gene: POLD1 (DNA polymerase delta 1, catalytic subunit; plus strand). Cytogenetic location: 19q13.33.
Variant type: single nucleotide variant.
Coding change: c.2803G>A on transcript NM_002691.4 (MANE Select); coding-DNA position 2803, G replaced by A.
Protein change: p.Ala935Thr; replaces alanine 935 with threonine.
Molecular consequence: missense variant.
Genome position (GRCh38, 1-based): chr19:50,415,809, G>A. VCF-style: chr19-50415809-G-A. GRCh37 (hg19) VCF-style: chr19-50919066-G-A.
Other names: c.2881G>A, p.Ala961Thr (LRG_785t2, NM_001308632.1); c.2803G>A, p.Ala935Thr (LRG_785t1, NM_001256849.1); c.2803G>A (NM_002691.2); short protein forms A961T, A935T.
Identifiers: ClinVar variation 408064 (VCV000408064.23), dbSNP rs555452657, ClinGen allele CA9596662.

ClinVar aggregate classification (germline): Uncertain significance. Review status: criteria provided, multiple submitters, no conflicts (2 of 4 stars). 8 submissions from 8 submitters: Uncertain significance (7). 1 of the submissions does not count toward it. Last evaluated 2026-01-20.

Conditions:
POLD1-related polyposis and colorectal cancer syndrome (CRCS10). Also called: Colorectal cancer, susceptibility to, 10; Colorectal cancer 10; COLORECTAL CANCER, SUSCEPTIBILITY TO, ON CHROMOSOME 19q. Identifiers: Orphanet 220460, MedGen C2675481, MONDO:0012953, OMIM 612591.
Hereditary cancer-predisposing syndrome. Also called: Neoplastic Syndromes, Hereditary; Hereditary neoplastic syndrome; Hereditary Cancer Syndrome; Tumor predisposition. Identifiers: Orphanet 140162, MedGen C0027672, MeSH D009386, MONDO:0015356.
Immunodeficiency 120. Identifiers: MedGen C5935622, MONDO:0970994, OMIM 620836.
Mandibular hypoplasia-deafness-progeroid syndrome. Also called: Mandibular hypoplasia, deafness, progeroid features, and lipodystrophy syndrome. Identifiers: Orphanet 363649, MedGen C3715192, MONDO:0014157, OMIM 615381.

Allele frequency attached by ClinVar (database versions not stated): TOPMed 0.00001; gnomAD exomes 0.00003 and 0.00004; gnomAD 0.00001; 1000 Genomes Project 30x 0.00016; 1000 Genomes Project 0.00020; ExAC 0.00022.

Submissions (8):

Labcorp Genetics (formerly Invitae), Labcorp
Classification: Uncertain significance for POLD1-related polyposis and colorectal cancer syndrome. Last evaluated: 2026-01-20. Review status: criteria provided, single submitter. Criteria: Invitae Variant Classification Sherloc (09022015). Collection method: clinical testing. Allele origin: germline.
Comment: This sequence change replaces alanine, which is neutral and non-polar, with threonine, which is neutral and polar, at codon 935 of the POLD1 protein (p.Ala935Thr). The frequency data for this variant in the population databases is considered unreliable, as metrics indicate poor data quality at this position in the gnomAD database. This variant has not been reported in the literature in individuals affected with POLD1-related conditions. ClinVar contains an entry for this variant (Variation ID: 408064). Invitae Evidence Modeling of protein sequence and biophysical properties (such as structural, functional, and spatial information, amino acid conservation, physicochemical variation, residue mobility, and thermodynamic stability) indicates that this missense variant is not expected to disrupt POLD1 protein function with a negative predictive value of 80%. In summary, the available evidence is currently insufficient to determine the role of this variant in disease. Therefore, it has been classified as a Variant of Uncertain Significance.

Ambry Genetics
Classification: Uncertain significance for Hereditary cancer-predisposing syndrome. Last evaluated: 2025-05-21. Review status: criteria provided, single submitter. Criteria: Ambry Variant Classification Scheme 2023. Collection method: clinical testing. Allele origin: germline.

Center for Genomic Medicine, Rigshospitalet, Copenhagen University Hospital
Classification: Uncertain significance. Last evaluated: 2025-03-04. Review status: criteria provided, single submitter. Criteria: ACMG Guidelines, 2015. Collection method: clinical testing. Allele origin: germline.

St. Jude Molecular Pathology, St. Jude Children's Research Hospital
Classification: Uncertain significance for POLD1-related polyposis and colorectal cancer syndrome. Last evaluated: 2024-12-12. Review status: criteria provided, single submitter. Criteria: St. Jude Assertion Criteria 2020. Collection method: clinical testing. Allele origin: germline.
Comment: The POLD1 c.2803G>A (p.Ala935Thr) missense change has a maximum subpopulation frequency of 0.01% in gnomAD v2.1.1. The in silico tool REVEL predicts a benign effect on protein function, but to our knowledge this prediction has not been confirmed by functional studies. To our knowledge, this variant has not been reported in the literature in individuals with POLD1-related disease. In summary, the evidence currently available is insufficient to determine the clinical significance of this variant. It has therefore been classified as of uncertain significance.

Blueprint Genetics
Classification: Uncertain significance. Last evaluated: 2024-10-28. Review status: criteria provided, single submitter. Criteria: ACMG Guidelines, 2015. Collection method: clinical testing. Allele origin: germline.

GeneDx
Classification: Uncertain significance. Last evaluated: 2024-05-17. Review status: criteria provided, single submitter. Criteria: GeneDx Variant Classification Process June 2021. Collection method: clinical testing. Allele origin: germline. Affected: yes.
Comment: In silico analysis supports that this missense variant has a deleterious effect on protein structure/function; Has not been previously published as pathogenic or benign to our knowledge

Fulgent Genetics
Classification: Uncertain significance for POLD1-related polyposis and colorectal cancer syndrome; Mandibular hypoplasia-deafness-progeroid syndrome; Immunodeficiency 120. Last evaluated: 2024-05-08. Review status: criteria provided, single submitter. Criteria: ACMG Guidelines, 2015. Collection method: clinical testing. Allele origin: germline.

Counsyl
Classification: Uncertain significance for POLD1-related polyposis and colorectal cancer syndrome. Last evaluated: 2018-04-26. Review status: no assertion criteria provided. Collection method: clinical testing. Allele origin: unknown. Not counted in ClinVar's aggregate classification.